The following is an entry in ClinVar:

NM_001367624.2(ZNF469):c.9445G>A (p.Val3149Met)

Gene: ZNF469 (zinc finger protein 469; plus strand). Cytogenetic location: 16q24.2.
Variant type: single nucleotide variant.
Coding change: c.9445G>A on transcript NM_001367624.2 (MANE Select); coding-DNA position 9445, G replaced by A.
Protein change: p.Val3149Met; replaces valine 3149 with methionine.
Molecular consequence: missense variant.
Genome position (GRCh38, 1-based): chr16:88,436,915, G>A. VCF-style: chr16-88436915-G-A. GRCh37 (hg19) VCF-style: chr16-88503323-G-A.
Other names: NM_001127464.1:c.9361G>A; short protein forms V3149M.
Identifiers: ClinVar variation 1723522 (VCV001723522.6), dbSNP rs1002006017, ClinGen allele CA286385408.

ClinVar aggregate classification (germline): Uncertain significance. Review status: criteria provided, multiple submitters, no conflicts (2 of 4 stars). 3 submissions from 3 submitters: Uncertain significance (3). Last evaluated 2025-04-28.

Allele frequency attached by ClinVar (database versions not stated): gnomAD 0.00002; gnomAD exomes 0.00002; TOPMed 0.00003.
gnomAD v4.1: 30 of 1,500,170 alleles (0.002%); highest among the groups gnomAD compares: African/African-American, 0.0028%; no homozygotes.

Submissions (3):

Women's Health and Genetics/Laboratory Corporation of America, LabCorp
Classification: Uncertain significance. Last evaluated: 2025-04-28. Review status: criteria provided, single submitter. Criteria: LabCorp Variant Classification Summary - May 2015. Collection method: clinical testing. Allele origin: germline.
Comment: Variant summary: ZNF469 c.9445G>A (p.Val3149Met) results in a conservative amino acid change in the encoded protein sequence. Two of four in-silico tools predict a benign effect of the variant on protein function. The variant allele was found at a frequency of 9.3e-06 in 107752 control chromosomes (gnomAD). The available data on variant occurrences in the general population are insufficient to allow any conclusion about variant significance. To our knowledge, no occurrence of c.9445G>A in individuals affected with Brittle cornea syndrome 1 and no experimental evidence demonstrating its impact on protein function have been reported. ClinVar contains an entry for this variant (Variation ID: 1723522). Based on the evidence outlined above, the variant was classified as uncertain significance.

Labcorp Genetics (formerly Invitae), Labcorp
Classification: Uncertain significance. Last evaluated: 2024-10-25. Review status: criteria provided, single submitter. Criteria: Invitae Variant Classification Sherloc (09022015). Collection method: clinical testing. Allele origin: germline.
Comment: This sequence change replaces valine, which is neutral and non-polar, with methionine, which is neutral and non-polar, at codon 3121 of the ZNF469 protein (p.Val3121Met). The frequency data for this variant in the population databases is considered unreliable, as metrics indicate poor data quality at this position in the gnomAD database. This variant has not been reported in the literature in individuals affected with ZNF469-related conditions. ClinVar contains an entry for this variant (Variation ID: 1723522). An algorithm developed to predict the effect of missense changes on protein structure and function (PolyPhen-2) suggests that this variant is likely to be disruptive. In summary, the available evidence is currently insufficient to determine the role of this variant in disease. Therefore, it has been classified as a Variant of Uncertain Significance.

GeneDx
Classification: Uncertain significance. Last evaluated: 2024-08-14. Review status: criteria provided, single submitter. Criteria: GeneDx Variant Classification Process June 2021. Collection method: clinical testing. Allele origin: germline. Affected: yes.
Comment: Not observed at significant frequency in large population cohorts (gnomAD); In silico analysis indicates that this missense variant does not alter protein structure/function; Has not been previously published as pathogenic or benign to our knowledge